The following is an entry in ClinVar:

ClinVar aggregate classification (germline): Uncertain significance. Review status: criteria provided, multiple submitters, no conflicts (2 of 4 stars). 2 submissions from 2 submitters: Uncertain significance (2). Last evaluated 2025-01-16.

Conditions:
Anterior segment dysgenesis. Also called: Ocular anterior segment dysgenesis. Identifiers: Orphanet 88632, MedGen C1862839, MONDO:0019503, HP:0007700.
Congenital primary aphakia. Also called: Anterior segment dysgenesis 2, multiple subtypes; ANTERIOR SEGMENT DYSGENESIS 2. Identifiers: Orphanet 83461, MedGen C1853230, MONDO:0012456, OMIM 610256.

Submissions (2):

Labcorp Genetics (formerly Invitae), Labcorp
Classification: Uncertain significance for Anterior segment dysgenesis; Congenital primary aphakia. Last evaluated: 2025-01-16. Review status: criteria provided, single submitter. Criteria: Invitae Variant Classification Sherloc (09022015). Collection method: clinical testing. Allele origin: germline.
Comment: This variant, c.191_196dup, results in the insertion of 2 amino acid(s) of the FOXE3 protein (p.Arg64_Arg65dup), but otherwise preserves the integrity of the reading frame. This variant is not present in population databases (gnomAD no frequency). This variant has not been reported in the literature in individuals affected with FOXE3-related conditions. In summary, the available evidence is currently insufficient to determine the role of this variant in disease. Therefore, it has been classified as a Variant of Uncertain Significance.

GeneDx
Classification: Uncertain significance. Last evaluated: 2023-07-31. Review status: criteria provided, single submitter. Criteria: GeneDx Variant Classification Process June 2021. Collection method: clinical testing. Allele origin: germline. Affected: yes.
Comment: In-frame insertion of 2 amino acids in a non-repeat region; Not observed at significant frequency in large population cohorts (gnomAD); Has not been previously published as pathogenic or benign to our knowledge

NM_012186.3(FOXE3):c.179GGC[8] (p.Arg65_Pro66insArgArg)

Genes: FOXE3 (forkhead box E3; plus strand), LINC01389 (long independently transcribed non-coding RNA 1389; minus strand). Cytogenetic location: 1p33.
Variant type: Microsatellite.
Coding change: c.179GGC[8] on transcript NM_012186.3 (MANE Select); eight copies in a row of the 3-base unit GGC starting at c.179; the reference has six copies in a row; two copies, 6 bases duplicated; also written c.191_196dup.
Protein change: p.Arg65_Pro66insArgArg.
Molecular consequence: inframe insertion.
Genome position (GRCh38, 1-based): chr1:47,416,506-47,416,511, GGCGGC duplicated; duplicating any 6 consecutive bases within chr1:47,416,494-47,416,511 gives the same sequence; the position shown is the placement nearest the transcript's 3' end. VCF-style (leftmost placement, unchanged base first): chr1-47416493-G-GGGCGGC. GRCh37 (hg19) VCF-style: chr1-47882165-G-GGGCGGC.
Other names: c.191_196dup (NM_012186.2).
Identifiers: ClinVar variation 2925790 (VCV002925790.4), dbSNP rs775343166, ClinGen allele CA2474591072.